The following is an entry in ClinVar:

ClinVar aggregate classification (germline): Uncertain significance (1 of 4 stars; one submission).

Submission:

Women's Health and Genetics/Laboratory Corporation of America, LabCorp
Classification: Uncertain significance. Last evaluated: 2026-05-13. Review status: criteria provided, single submitter. Criteria: LabCorp Variant Classification Summary - May 2015. Collection method: clinical testing. Allele origin: germline.
Comment: Variant summary: PDX1 c.332delA (p.Glu111GlyfsX12) results in a premature termination codon in the penultimate exon and is predicted to cause a truncation of the encoded protein, however, nonsense mediated decay is not expected to occur. The variant was absent in 236080 control chromosomes. To our knowledge, no occurrence of c.332delA in individuals affected with PDX1-related conditions and no experimental evidence demonstrating its impact on protein function have been reported. No submitters have cited clinical-significance assessments for this variant to ClinVar. Based on the evidence outlined above, the variant was classified as uncertain significance.

NM_000209.4(PDX1):c.332del (p.Glu111fs)

Gene: PDX1 (pancreatic and duodenal homeobox 1; plus strand). Cytogenetic location: 13q12.2.
Variant type: Deletion.
Coding change: c.332del on transcript NM_000209.4 (MANE Select); coding-DNA position 332, one base deleted (A; older notation c.332delA).
Protein change: p.Glu111fs; shifts the reading frame from glutamic acid 111.
Molecular consequence: frameshift variant.
Genome position (GRCh38, 1-based): chr13:27,920,470, A deleted. VCF-style (leftmost placement, unchanged base first): chr13-27920469-GA-G. GRCh37 (hg19) VCF-style: chr13-28494606-GA-G.
Other names: c.332delA (NM_000209.4); short protein forms E111fs.
Identifiers: ClinVar variation 4853119 (VCV004853119.1).
Genomic context (GRCh38, chr13:27,920,469, plus strand): 5'-GCGCTCCCCCACCCGCCCGCCGGGCCCTTCCCGGAGGGAGCCGAGCCGGGCGTCCTGGAG[GA>G]GCCCAACCGCGTCCAGCTGCCTTTCCCATGGATGAAGTCTACCAAAGCTCACGCGTGGAA-3'